The following is an entry in ClinVar:

NC_000020.10:g.(?_35521335)_(35526967_?)dup

Genes: SAMHD1 (SAM and HD domain containing deoxynucleoside triphosphate triphosphohydrolase 1; minus strand), TLDC2 (TBC/LysM-associated domain containing 2; plus strand). Cytogenetic location: 20q11.23.
Variant type: Duplication.
Identifiers: ClinVar variation 2426169 (VCV002426169.3).

ClinVar aggregate classification (germline): Uncertain significance (1 of 4 stars; one submission).

Conditions:
Aicardi-Goutieres syndrome 5. Identifiers: Orphanet 51, MedGen C2749659, MONDO:0013059, OMIM 612952.

Submission:

Labcorp Genetics (formerly Invitae), Labcorp
Classification: Uncertain significance for Aicardi-Goutieres syndrome 5. Last evaluated: 2022-10-13. Review status: criteria provided, single submitter. Criteria: Invitae Variant Classification Sherloc (09022015). Collection method: clinical testing. Allele origin: germline.
Comment: This variant results in a copy number gain of the genomic region encompassing exon(s) 14-16 of the SAMHD1 gene. This region includes the termination codon of the gene. This copy number gain extends beyond the assayed region for this gene and therefore may encompass additional genes. As the precise location of this event is unknown, it may be in tandem or it may be located elsewhere in the genome. This variant has not been reported in the literature in individuals affected with SAMHD1-related conditions. In summary, the available evidence is currently insufficient to determine the role of this variant in disease. Therefore, it has been classified as a Variant of Uncertain Significance.